The following is an entry in ClinVar:

ClinVar aggregate classification (germline): Uncertain significance. Review status: criteria provided, multiple submitters, no conflicts (2 of 4 stars). 3 submissions from 3 submitters: Uncertain significance (3). Last evaluated 2025-10-07.

Conditions:
Left ventricular noncompaction 1 (LVNC1). Also called: LEFT VENTRICULAR NONCOMPACTION 1 WITH OR WITHOUT CONGENITAL HEART DEFECTS. Identifiers: Orphanet 54260, MedGen C1858725, MONDO:0011403, OMIM 604169.

Allele frequency attached by ClinVar (database versions not stated): gnomAD 0.00001; TOPMed 0.00001; ExAC 0.00002; gnomAD exomes 0.00002 and 0.00003.
gnomAD v4.1: 54 of 1,613,886 alleles (0.0033%); highest among the groups gnomAD compares: Non-Finnish European, 0.004%; no homozygotes.

Submissions (3):

Women's Health and Genetics/Laboratory Corporation of America, LabCorp
Classification: Uncertain significance. Last evaluated: 2025-10-07. Review status: criteria provided, single submitter. Criteria: LabCorp Variant Classification Summary - May 2015. Collection method: clinical testing. Allele origin: germline.

Labcorp Genetics (formerly Invitae), Labcorp
Classification: Uncertain significance for Left ventricular noncompaction 1. Last evaluated: 2022-09-05. Review status: criteria provided, single submitter. Criteria: Invitae Variant Classification Sherloc (09022015). Collection method: clinical testing. Allele origin: germline.
Comment: ClinVar contains an entry for this variant (Variation ID: 191648). This variant has not been reported in the literature in individuals affected with DTNA-related conditions. This variant is present in population databases (rs200736432, gnomAD 0.003%). This sequence change replaces threonine, which is neutral and polar, with alanine, which is neutral and non-polar, at codon 99 of the DTNA protein (p.Thr99Ala). In summary, the available evidence is currently insufficient to determine the role of this variant in disease. Therefore, it has been classified as a Variant of Uncertain Significance. Algorithms developed to predict the effect of missense changes on protein structure and function are either unavailable or do not agree on the potential impact of this missense change (SIFT: "Tolerated"; PolyPhen-2: "Probably Damaging"; Align-GVGD: "Class C0").

Biesecker Lab/Clinical Genomics Section, National Institutes of Health
Classification: Uncertain significance. Last evaluated: 2013-06-24. Review status: criteria provided, single submitter. Criteria: Ng et al. (Circ Cardiovasc Genet. 2013). Collection method: research. Allele origin: unknown. Observed: 1 variant allele. Study: ClinSeq.
Comment: The study set was not selected for affection status in relation to any cancer. Pathogenicity categories were based on literature curation. See Pubmed ID:23861362 for details.

Medical sequencing

NM_001386795.1(DTNA):c.295A>G (p.Thr99Ala)

Gene: DTNA (dystrobrevin alpha; plus strand). Cytogenetic location: 18q12.1.
Variant type: single nucleotide variant.
Coding change: c.295A>G on transcript NM_001386795.1 (MANE Select); coding-DNA position 295, A replaced by G.
Protein change: p.Thr99Ala; replaces threonine 99 with alanine.
Molecular consequence: missense variant.
Genome position (GRCh38, 1-based): chr18:34,794,183, A>G. VCF-style: chr18-34794183-A-G. GRCh37 (hg19) VCF-style: chr18-32374147-A-G.
Other names: c.295A>G, p.Thr99Ala (NM_001386767.1, NM_001386768.1, NM_001386769.1 and 35 more transcripts); short protein forms T99A.
Identifiers: ClinVar variation 191648 (VCV000191648.11), dbSNP rs200736432, ClinGen allele CA237145.